The following is an entry in ClinVar:

NM_006311.4(NCOR1):c.4863A>G (p.Gln1621=)

Gene: NCOR1 (nuclear receptor corepressor 1; minus strand). Cytogenetic location: 17p12.
Variant type: single nucleotide variant.
Coding change: c.4863A>G on transcript NM_006311.4 (MANE Select); coding-DNA position 4863, A replaced by G.
Protein change: p.Gln1621=; no amino-acid change (glutamine 1621 retained).
Molecular consequence: synonymous variant.
Genome position (GRCh38, 1-based): chr17:16,065,573, T>C on the plus strand (A>G on the coding strand, the complement: NCOR1 is on the minus strand). VCF-style: chr17-16065573-T-C. GRCh37 (hg19) VCF-style: chr17-15968887-T-C.
Other names: NC_000017.10:g.15968887T>C; c.4911A>G, p.Gln1637= (NM_001190440.2).
Identifiers: ClinVar variation 777134 (VCV000777134.8), dbSNP rs7210057, ClinGen allele CA8408427.

ClinVar aggregate classification (germline): Benign. Review status: criteria provided, multiple submitters, no conflicts (2 of 4 stars). 3 submissions from 3 submitters: Benign (2). 1 of the submissions does not count toward it. Last evaluated 2019-12-31.

Conditions:
NCOR1-related disorder. Also called: NCOR1-related condition.

Allele frequency attached by ClinVar (database versions not stated): gnomAD exomes 0.00169 and 0.00436; ExAC 0.00550; gnomAD 0.01627 and 0.01737; ESP Exome Variant Server 0.01784; TOPMed 0.01854; 1000 Genomes Project 0.01917; 1000 Genomes Project 30x 0.01983.
gnomAD v4.1: 5,094 of 1,614,160 alleles (0.32%); highest among the groups gnomAD compares: African/African-American, 5.7%; 123 homozygotes.

Submissions (8):

Labcorp Genetics (formerly Invitae), Labcorp
Classification: Benign. Last evaluated: 2019-12-31. Review status: criteria provided, single submitter. Criteria: Invitae Variant Classification Sherloc (09022015). Collection method: clinical testing. Allele origin: germline.

Breakthrough Genomics
Classification: Benign. Review status: criteria provided, single submitter. Criteria: ACMG Guidelines, 2015. Collection method: not provided. Allele origin: germline. Inheritance: Unknown mechanism. Affected: yes.

PreventionGenetics, part of Exact Sciences
Classification: Benign for NCOR1-related condition. Last evaluated: 2019-05-07. Review status: no assertion criteria provided. Collection method: clinical testing. Allele origin: germline. Not counted in ClinVar's aggregate classification.
Comment: This variant is classified as benign based on ACMG/AMP sequence variant interpretation guidelines (Richards et al. 2015 PMID: 25741868, with internal and published modifications).

Dr. Peter K. Rogan Lab, Western University
No classification provided (evidence only). Condition: Colon adenocarcinoma. Review status: no classification provided. Collection method: in vitro. Allele origin: not applicable. Functional consequence: retained intron. Not counted in ClinVar's aggregate classification.

Dr. Peter K. Rogan Lab, Western University
No classification provided (evidence only). Condition: Uterine corpus endometrial carcinoma. Review status: no classification provided. Collection method: in vitro. Allele origin: not applicable. Functional consequence: retained intron. Not counted in ClinVar's aggregate classification.

Dr. Peter K. Rogan Lab, Western University
No classification provided (evidence only). Condition: Uterine corpus endometrial carcinoma. Review status: no classification provided. Collection method: in vitro. Allele origin: not applicable. Functional consequence: retained intron. Not counted in ClinVar's aggregate classification.

Dr. Peter K. Rogan Lab, Western University
No classification provided (evidence only). Condition: Sarcoma. Review status: no classification provided. Collection method: in vitro. Allele origin: not applicable. Functional consequence: retained intron. Not counted in ClinVar's aggregate classification.

Dr. Peter K. Rogan Lab, Western University
No classification provided (evidence only). Condition: Gastric cancer. Review status: no classification provided. Collection method: in vitro. Allele origin: not applicable. Functional consequence: retained intron. Not counted in ClinVar's aggregate classification.